The following is an entry in ClinVar:

ClinVar aggregate classification (germline): Uncertain significance (1 of 4 stars; one submission).

gnomAD v4.1: 4 of 1,613,676 alleles (0.00025%); highest among the groups gnomAD compares: African/African-American, 0.0053%; no homozygotes.

Submission:

Labcorp Genetics (formerly Invitae), Labcorp
Classification: Uncertain significance. Last evaluated: 2022-05-28. Review status: criteria provided, single submitter. Criteria: Invitae Variant Classification Sherloc (09022015). Collection method: clinical testing. Allele origin: germline.
Comment: In summary, the available evidence is currently insufficient to determine the role of this variant in disease. Therefore, it has been classified as a Variant of Uncertain Significance. Algorithms developed to predict the effect of missense changes on protein structure and function output the following: SIFT: "Tolerated"; PolyPhen-2: "Benign"; Align-GVGD: "Class C0". The serine amino acid residue is found in multiple mammalian species, which suggests that this missense change does not adversely affect protein function. This variant has not been reported in the literature in individuals affected with ZDBF2-related conditions. This variant is present in population databases (rs759643266, gnomAD 0.01%). This sequence change replaces alanine, which is neutral and non-polar, with serine, which is neutral and polar, at codon 352 of the ZDBF2 protein (p.Ala352Ser).

NM_020923.3(ZDBF2):c.1054G>T (p.Ala352Ser)

Gene: ZDBF2 (zinc finger DBF-type containing 2; plus strand). Cytogenetic location: 2q33.3.
Variant type: single nucleotide variant.
Coding change: c.1054G>T on transcript NM_020923.3 (MANE Select); coding-DNA position 1054, G replaced by T.
Protein change: p.Ala352Ser; replaces alanine 352 with serine.
Molecular consequence: missense variant.
Genome position (GRCh38, 1-based): chr2:206,305,582, G>T. VCF-style: chr2-206305582-G-T. GRCh37 (hg19) VCF-style: chr2-207170306-G-T.
Other names: c.1048G>T, p.Ala350Ser (NM_001285549.2); c.1054G>T, p.Ala352Ser (NM_001369654.1); short protein forms A350S, A352S.
Identifiers: ClinVar variation 1950621 (VCV001950621.5), dbSNP rs759643266, ClinGen allele CA2071797.